The following is an entry in ClinVar:

NM_001358921.2(COQ2):c.189G>T (p.Val63=)

Genes: COQ2 (coenzyme Q2, polyprenyltransferase; minus strand), LOC112997540 (Sharpr-MPRA regulatory region 13773; plus strand). Cytogenetic location: 4q21.23.
Variant type: single nucleotide variant.
Coding change: c.189G>T on transcript NM_001358921.2 (MANE Select); coding-DNA position 189, G replaced by T.
Protein change: p.Val63=; no amino-acid change (valine 63 retained).
Molecular consequence: synonymous variant.
Genome position (GRCh38, 1-based): chr4:83,284,576, C>A on the plus strand (G>T on the coding strand, the complement: COQ2 is on the minus strand). VCF-style: chr4-83284576-C-A. GRCh37 (hg19) VCF-style: chr4-84205729-C-A.
Other names: p.V113V:GTG>GTT; p.Val113=; c.339G>T, p.Val113= (NM_015697.9); c.339G>T (NM_015697.8).
Identifiers: ClinVar variation 136980 (VCV000136980.17), dbSNP rs368507578, ClinGen allele CA290434.

ClinVar aggregate classification (germline): Benign/Likely benign. Review status: criteria provided, multiple submitters, no conflicts (2 of 4 stars). 6 submissions from 6 submitters: Benign (5); Likely benign (1). Last evaluated 2026-01-27.

Conditions:
Focal segmental glomerulosclerosis (FSGS). Also called: Glomerulosclerosis, focal; Focal sclerosis with hyalinosis. Identifiers: MedGen C0017668, MONDO:0100313, HP:0000097. Disease mechanism: loss of function.

Allele frequency attached by ClinVar (database versions not stated): ESP Exome Variant Server 0.00246; 1000 Genomes Project 0.00419; 1000 Genomes Project 30x 0.00578; gnomAD 0.00719; TOPMed 0.00766.
gnomAD v4.1: 1,922 of 1,553,630 alleles (0.12%); highest among the groups gnomAD compares: African/African-American, 2.2%; 17 homozygotes.

Submissions (6):

Labcorp Genetics (formerly Invitae), Labcorp
Classification: Benign. Last evaluated: 2026-01-27. Review status: criteria provided, single submitter. Criteria: Invitae Variant Classification Sherloc (09022015). Collection method: clinical testing. Allele origin: germline.

Mayo Clinic Laboratories, Mayo Clinic
Classification: Benign. Last evaluated: 2024-07-24. Review status: criteria provided, single submitter. Criteria: ACMG Guidelines, 2015. Collection method: clinical testing. Allele origin: germline. Observed: 15 variant alleles.
Comment: BS1, BS2, BP4, BP7

Genome Diagnostics Laboratory, The Hospital for Sick Children
Classification: Likely benign for Focal segmental glomerulosclerosis. Last evaluated: 2020-07-13. Review status: criteria provided, single submitter. Criteria: ACMG Guidelines, 2015. Collection method: clinical testing. Allele origin: germline.

GeneDx
Classification: Benign. Last evaluated: 2013-10-28. Review status: criteria provided, single submitter. Criteria: GeneDx Variant Classification (06012015). Collection method: clinical testing. Allele origin: germline. Affected: yes.
Comment: This variant is considered likely benign or benign based on one or more of the following criteria: it is a conservative change, it occurs at a poorly conserved position in the protein, it is predicted to be benign by multiple in silico algorithms, and/or has population frequency not consistent with disease.

Breakthrough Genomics
Classification: Benign. Review status: criteria provided, single submitter. Criteria: ACMG Guidelines, 2015. Collection method: not provided. Allele origin: germline. Inheritance: Autosomal recessive inheritance. Affected: yes.

PreventionGenetics, part of Exact Sciences
Classification: Benign. Review status: criteria provided, single submitter. Criteria: ACMG Guidelines, 2015. Collection method: clinical testing. Allele origin: germline.